The following is an entry in ClinVar:

ClinVar aggregate classification (germline): Uncertain significance (1 of 4 stars; one submission).

Submission:

Ambry Genetics
Classification: Uncertain significance. Last evaluated: 2024-03-28. Review status: criteria provided, single submitter. Criteria: Ambry Variant Classification Scheme 2023. Collection method: clinical testing. Allele origin: germline.
Comment: The p.C1078G variant (also known as c.3232T>G), located in coding exon 16 of the POLQ gene, results from a T to G substitution at nucleotide position 3232. The cysteine at codon 1078 is replaced by glycine, an amino acid with highly dissimilar properties. This amino acid position is conserved. In addition, this alteration is predicted to be tolerated by in silico analysis. Based on the available evidence, the clinical significance of this alteration remains unclear.

NM_199420.4(POLQ):c.3232T>G (p.Cys1078Gly)

Gene: POLQ (DNA polymerase theta; minus strand). Cytogenetic location: 3q13.33.
Variant type: single nucleotide variant.
Coding change: c.3232T>G on transcript NM_199420.4 (MANE Select); coding-DNA position 3232, T replaced by G.
Protein change: p.Cys1078Gly; replaces cysteine 1078 with glycine.
Molecular consequence: missense variant.
Genome position (GRCh38, 1-based): chr3:121,489,699, A>C on the plus strand (T>G on the coding strand, the complement: POLQ is on the minus strand). VCF-style: chr3-121489699-A-C. GRCh37 (hg19) VCF-style: chr3-121208546-A-C.
Other names: short protein forms C1078G.
Identifiers: ClinVar variation 3308609 (VCV003308609.1).